The following is an entry in ClinVar:

NM_001382567.1(STIM1):c.1735C>T (p.Leu579Phe)

Gene: STIM1 (stromal interaction molecule 1; plus strand). Cytogenetic location: 11p15.4.
Variant type: single nucleotide variant.
Coding change: c.1735C>T on transcript NM_001382567.1 (MANE Select); coding-DNA position 1735, C replaced by T.
Protein change: p.Leu579Phe; replaces leucine 579 with phenylalanine.
Molecular consequence: missense variant. On other transcripts: 3 prime UTR variant (4), non-coding transcript variant (3).
Genome position (GRCh38, 1-based): chr11:4,091,382, C>T. VCF-style: chr11-4091382-C-T. GRCh37 (hg19) VCF-style: chr11-4112612-C-T.
Other names: c.1960C>T, p.Leu654Phe (NM_001277961.3); c.*56C>T (NM_001277962.2, NM_001382578.1, NM_001382579.1 and 1 more transcripts); c.1738C>T, p.Leu580Phe (NM_001382566.1); c.1663C>T, p.Leu555Phe (NM_001382568.1); c.1507C>T, p.Leu503Phe (NM_001382569.1); c.1414C>T, p.Leu472Phe (NM_001382570.1); c.1162C>T, p.Leu388Phe (NM_001382571.1); c.1420C>T, p.Leu474Phe (NM_001382575.1, NM_001382576.1, NM_001382577.1); and 2 more; short protein forms L385F, L388F, L472F, L474F, L503F, L548F, L555F, L579F.
Identifiers: ClinVar variation 3750417 (VCV003750417.2).
Genomic context (GRCh38, chr11:4,091,382, plus strand): 5'-AGTGACCGCCAGCGTGTGGCCCCCAAACCTCCTCAGATGAGCCGTGCTGCAGACGAGGCT[C>T]TCAATGCCATGACTTCCAATGGCAGCCACCGGCTGATCGAGGGGGTCCACCCAGGGTCTC-3'
Protein context (NP_001369496.1, residues 569-589): PQMSRAADEA[Leu579Phe]NAMTSNGSHR

ClinVar aggregate classification (germline): Uncertain significance (1 of 4 stars; one submission).

Conditions:
Myopathy with tubular aggregates (TAM). Also called: Tubular Aggregate Myopathy. Identifiers: Orphanet 2593, MedGen C0410207, MONDO:0008051.
Combined immunodeficiency due to STIM1 deficiency. Also called: STIM1 DEFICIENCY; IMMUNODEFICIENCY 10. Identifiers: Orphanet 169090, Orphanet 317430, MedGen C2748557, MONDO:0013008, OMIM 612783.
Stormorken syndrome (STRMK). Also called: THROMBOCYTOPATHY, ASPLENIA, AND MIOSIS. Identifiers: Orphanet 3204, MedGen C1861451, MONDO:0008497, OMIM 185070.

gnomAD v4.1: 1 of 1,614,222 alleles (0.000062%); highest among the groups gnomAD compares: Non-Finnish European, 0.000085%; no homozygotes.

Submission:

Labcorp Genetics (formerly Invitae), Labcorp
Classification: Uncertain significance for Myopathy with tubular aggregates; Combined immunodeficiency due to STIM1 deficiency; Stormorken syndrome. Last evaluated: 2024-11-07. Review status: criteria provided, single submitter. Criteria: Invitae Variant Classification Sherloc (09022015). Collection method: clinical testing. Allele origin: germline.
Comment: This sequence change replaces leucine, which is neutral and non-polar, with phenylalanine, which is neutral and non-polar, at codon 548 of the STIM1 protein (p.Leu548Phe). This variant is not present in population databases (gnomAD no frequency). This variant has not been reported in the literature in individuals affected with STIM1-related conditions. Invitae Evidence Modeling of protein sequence and biophysical properties (such as structural, functional, and spatial information, amino acid conservation, physicochemical variation, residue mobility, and thermodynamic stability) has been performed for this missense variant. However, the output from this modeling did not meet the statistical confidence thresholds required to predict the impact of this variant on STIM1 protein function. In summary, the available evidence is currently insufficient to determine the role of this variant in disease. Therefore, it has been classified as a Variant of Uncertain Significance.